The following is an entry in ClinVar:

ClinVar aggregate classification (germline): Pathogenic/Likely pathogenic. Review status: criteria provided, multiple submitters, no conflicts (2 of 4 stars). 4 submissions from 4 submitters: Pathogenic (2); Likely pathogenic (2). Last evaluated 2025-08-18.

Conditions:
GNAS-related disorder. Identifiers: MedGen CN380105.

Allele frequency attached by ClinVar (database versions not stated): gnomAD exomes below 0.00001.
gnomAD v4.1: 1 of 1,613,946 alleles (0.000062%); highest among the groups gnomAD compares: Non-Finnish European, 0.000085%; no homozygotes.

Submissions (6):

Labcorp Genetics (formerly Invitae), Labcorp
Classification: Pathogenic. Last evaluated: 2025-08-18. Review status: criteria provided, single submitter. Criteria: Invitae Variant Classification Sherloc (09022015). Collection method: clinical testing. Allele origin: germline.
Comment: This sequence change replaces alanine, which is neutral and non-polar, with valine, which is neutral and non-polar, at codon 102 of the GNAS protein (p.Ala102Val). This variant is not present in population databases (gnomAD no frequency). This missense change has been observed in individuals with GNAS-related conditions (PMID: 11600516, 31886927; internal data). ClinVar contains an entry for this variant (Variation ID: 430510). Invitae Evidence Modeling of protein sequence and biophysical properties (such as structural, functional, and spatial information, amino acid conservation, physicochemical variation, residue mobility, and thermodynamic stability) indicates that this missense variant is expected to disrupt GNAS protein function with a positive predictive value of 95%. Algorithms developed to predict the effect of sequence changes on RNA splicing suggest that this variant may create or strengthen a splice site. For these reasons, this variant has been classified as Pathogenic.

3billion
Classification: Likely pathogenic for GNAS-related disorder. Last evaluated: 2025-07-29. Review status: criteria provided, single submitter. Criteria: ACMG Guidelines, 2015. Collection method: clinical testing. Allele origin: germline. Affected: yes.
Comment: The variant is observed at an extremely low frequency in the gnomAD v4.1.0 dataset (total allele frequency: <0.001%). Predicted Consequence/Location: Missense variant In silico tool predictions suggest damaging effect of the variant on gene or gene product [REVEL: 0.80 (>=0.6, sensitivity 0.68 and specificity 0.92); 3Cnet: 1.00 (> 0.75, sensitivity 0.96 and precision 0.92)]. The same nucleotide change resulting in the same amino acid change has been previously reported to be associated with GNAS-related disorder (PMID: 11600516). Different missense changes at the same codon (p.Ala102Glu, p.Ala102Thr) have been reported as pathogenic/likely pathogenic with strong evidence (ClinVar ID: VCV001204234 /PMID: 11600516). Therefore, this variant is classified as Likely pathogenic according to the recommendation of ACMG/AMP guideline.

GeneDx
Classification: Likely pathogenic. Last evaluated: 2025-01-15. Review status: criteria provided, single submitter. Criteria: GeneDx Variant Classification Process June 2021. Collection method: clinical testing. Allele origin: germline. Affected: yes.
Comment: Not observed at significant frequency in large population cohorts (gnomAD); In silico analysis supports a deleterious effect on splicing; In silico analysis supports that this missense variant has a deleterious effect on protein structure/function; This variant is associated with the following publications: (PMID: 11600516, 31886927)

Blueprint Genetics
Classification: Pathogenic for GNAS-related disorders. Last evaluated: 2022-06-24. Review status: criteria provided, single submitter. Criteria: ACMG Guidelines, 2015. Collection method: clinical testing. Allele origin: germline. Affected: yes. Observed: 1 variant allele.

Dr. Peter K. Rogan Lab, Western University
No classification provided (evidence only). Condition: Uterine corpus endometrial carcinoma. Review status: no classification provided. Collection method: in vitro. Allele origin: not applicable. Functional consequence: cryptic splice site, retained intron. Not counted in ClinVar's aggregate classification.

Dr. Peter K. Rogan Lab, Western University
No classification provided (evidence only). Condition: Uterine corpus endometrial carcinoma. Review status: no classification provided. Collection method: in vitro. Allele origin: not applicable. Functional consequence: cryptic splice site, retained intron. Not counted in ClinVar's aggregate classification.

Literature cited by the submitters: PubMed 11600516 (cited by Labcorp Genetics (formerly Invitae), Labcorp and 3billion); PubMed 31886927 (cited by Labcorp Genetics (formerly Invitae), Labcorp).

NM_000516.7(GNAS):c.305C>T (p.Ala102Val)

Gene: GNAS (GNAS complex locus; plus strand). Cytogenetic location: 20q13.32.
Variant type: single nucleotide variant.
Coding change: c.305C>T on transcript NM_000516.7 (MANE Select); coding-DNA position 305, C replaced by T.
Protein change: p.Ala102Val; replaces alanine 102 with valine.
Molecular consequence: missense variant. On other transcripts: 3 prime UTR variant (2).
Genome position (GRCh38, 1-based): chr20:58,903,578, C>T. VCF-style: chr20-58903578-C-T. GRCh37 (hg19) VCF-style: chr20-57478633-C-T.
Other names: c.308C>T, p.Ala103Val (NM_001077488.5); c.260C>T, p.Ala87Val (NM_001077489.4); c.*166C>T (NM_001077490.3); c.128C>T, p.Ala43Val (NM_001309840.2, NM_001309861.2); c.*211C>T (NM_016592.5); c.2234C>T, p.Ala745Val (NM_080425.4); c.263C>T, p.Ala88Val (NM_080426.4); short protein forms A102V, A103V, A43V, A88V, A745V, A87V.
Identifiers: ClinVar variation 430510 (VCV000430510.11), dbSNP rs1131691999, ClinGen allele CA409450325.